The following is an entry in ClinVar:

NM_001457.4(FLNB):c.1610+39G>A

Gene: FLNB (filamin B; plus strand). Cytogenetic location: 3p14.3.
Variant type: single nucleotide variant.
Coding change: c.1610+39G>A on transcript NM_001457.4 (MANE Select); 39 bases into the intron after coding-DNA position 1610, G replaced by A.
Molecular consequence: intron variant.
Genome position (GRCh38, 1-based): chr3:58,104,124, G>A. VCF-style: chr3-58104124-G-A. GRCh37 (hg19) VCF-style: chr3-58089851-G-A.
Other names: c.1610+39G>A (NM_001164317.2, NM_001164318.2, NM_001164319.2).
Identifiers: ClinVar variation 675059 (VCV000675059.2), dbSNP rs1522385, ClinGen allele CA2467870.
Genomic context (GRCh38, chr3:58,104,124, plus strand): 5'-GGGGACACCACATTCCAAAGAGGTGAGGCTCCTGCTGCAGAGGGGTCTTCTCTGGAGGGT[G>A]CTCGGCCCAGGGCGGACTCATGGGTAGTTGCTTCCCGGGCTGCAGGAGGGAAAGAGATCT-3'

ClinVar aggregate classification (germline): Benign. Review status: criteria provided, multiple submitters, no conflicts (2 of 4 stars). 2 submissions from 2 submitters: Benign (2). Last evaluated 2018-06-14.

Allele frequency attached by ClinVar (database versions not stated): 1000 Genomes Project 30x 0.12180; 1000 Genomes Project 0.12280; TOPMed 0.20447; gnomAD 0.21535 and 0.21665; gnomAD exomes 0.23415 and 0.28673; ExAC 0.23488; ESP Exome Variant Server 0.24112.
gnomAD v4.1: 450,290 of 1,610,032 alleles (28%); highest among the groups gnomAD compares: Middle Eastern, 36%; 68,637 homozygotes.

Submissions (2):

GeneDx
Classification: Benign. Last evaluated: 2018-06-14. Review status: criteria provided, single submitter. Criteria: GeneDx Variant Classification (06012015). Collection method: clinical testing. Allele origin: germline. Affected: yes.
Comment: This variant is considered likely benign or benign based on one or more of the following criteria: it is a conservative change, it occurs at a poorly conserved position in the protein, it is predicted to be benign by multiple in silico algorithms, and/or has population frequency not consistent with disease.

Breakthrough Genomics
Classification: Benign. Review status: criteria provided, single submitter. Criteria: ACMG Guidelines, 2015. Collection method: not provided. Allele origin: germline. Inheritance: Autosomal recessive inheritance. Affected: yes.